The following is an entry in ClinVar:

NM_033109.5(PNPT1):c.885_886del (p.Tyr296fs)

Gene: PNPT1 (polyribonucleotide nucleotidyltransferase 1; minus strand). Cytogenetic location: 2p16.1.
Variant type: Microsatellite.
Coding change: c.885_886del on transcript NM_033109.5 (MANE Select); coding-DNA positions 885 to 886, 2 bases deleted (CT; older notation c.885_886delCT).
Protein change: p.Tyr296fs; shifts the reading frame from tyrosine 296.
Molecular consequence: frameshift variant.
Genome position (GRCh38, 1-based): chr2:55,672,027-55,672,028, AG deleted on the plus strand (CT on the coding strand, the reverse complement: PNPT1 is on the minus strand); deleting any 2 consecutive bases within chr2:55,672,027-55,672,030 gives the same sequence; the c. name uses the placement nearest the transcript's 3' end. VCF-style (leftmost placement, unchanged base first): chr2-55672026-TAG-T. GRCh37 (hg19) VCF-style: chr2-55899161-TAG-T.
Other names: short protein forms Y296fs.
Identifiers: ClinVar variation 1938148 (VCV001938148.6), dbSNP rs1221723818, ClinGen allele CA770355596.

ClinVar aggregate classification (germline): Pathogenic/Likely pathogenic. Review status: criteria provided, multiple submitters, no conflicts (2 of 4 stars). 2 submissions from 2 submitters: Pathogenic (1); Likely pathogenic (1). Last evaluated 2023-04-21.

Conditions:
PNPT1-related disorder. Also called: PNPT1-related condition; PNPT1-related disorders.

Submissions (2):

Blueprint Genetics
Classification: Likely pathogenic for PNPT1-related disorders. Last evaluated: 2023-04-21. Review status: criteria provided, single submitter. Criteria: ACMG Guidelines, 2015. Collection method: clinical testing. Allele origin: germline. Affected: yes. Observed: 1 variant allele.

Labcorp Genetics (formerly Invitae), Labcorp
Classification: Pathogenic. Last evaluated: 2022-05-08. Review status: criteria provided, single submitter. Criteria: Invitae Variant Classification Sherloc (09022015). Collection method: clinical testing. Allele origin: germline.
Comment: This sequence change creates a premature translational stop signal (p.Tyr296Cysfs*9) in the PNPT1 gene. It is expected to result in an absent or disrupted protein product. Loss-of-function variants in PNPT1 are known to be pathogenic (PMID: 28594066, 30244537). This variant has not been reported in the literature in individuals affected with PNPT1-related conditions. For these reasons, this variant has been classified as Pathogenic. This variant is not present in population databases (gnomAD no frequency).

Literature cited by the submitters: PubMed 28594066 (cited by Labcorp Genetics (formerly Invitae), Labcorp); PubMed 30244537 (cited by Labcorp Genetics (formerly Invitae), Labcorp).